The following is an entry in ClinVar:

NM_014822.4(SEC24D):c.1801C>T (p.Leu601=)

Gene: SEC24D (SEC24 homolog D, COPII coat complex component; minus strand). Cytogenetic location: 4q26.
Variant type: single nucleotide variant.
Coding change: c.1801C>T on transcript NM_014822.4 (MANE Select); coding-DNA position 1801, C replaced by T.
Protein change: p.Leu601=; no amino-acid change (leucine 601 retained).
Molecular consequence: synonymous variant.
Genome position (GRCh38, 1-based): chr4:118,744,967, G>A on the plus strand (C>T on the coding strand, the complement: SEC24D is on the minus strand). VCF-style: chr4-118744967-G-A. GRCh37 (hg19) VCF-style: chr4-119666122-G-A.
Other names: c.1804C>T, p.Leu602= (NM_001318066.2).
Identifiers: ClinVar variation 3030702 (VCV003030702.2), dbSNP rs921697229, ClinGen allele CA3057159.

ClinVar aggregate classification (germline): Likely benign (0 of 4 stars; one submission).

Conditions:
SEC24D-related disorder. Also called: SEC24D-related condition.

Allele frequency attached by ClinVar (database versions not stated): gnomAD exomes below 0.00001; ExAC 0.00002; gnomAD 0.00003; TOPMed 0.00004.
gnomAD v4.1: 9 of 1,606,652 alleles (0.00056%); highest among the groups gnomAD compares: African/African-American, 0.012%; no homozygotes.

Submission:

PreventionGenetics, part of Exact Sciences
Classification: Likely benign for SEC24D-related condition. Last evaluated: 2021-12-01. Review status: no assertion criteria provided. Collection method: clinical testing. Allele origin: germline.
Comment: This variant is classified as likely benign based on ACMG/AMP sequence variant interpretation guidelines (Richards et al. 2015 PMID: 25741868, with internal and published modifications).